The following is an entry in ClinVar:

ClinVar aggregate classification (germline): Uncertain significance. Review status: criteria provided, multiple submitters, no conflicts (2 of 4 stars). 2 submissions from 2 submitters: Uncertain significance (2). Last evaluated 2025-02-13.

Conditions:
Familial sleep-related hypermotor epilepsy. Also called: Autosomal Dominant Sleep-Related Hypermotor (Hyperkinetic) Epilepsy. Identifiers: Orphanet 98784, MedGen C3696898, MONDO:0000030.

Allele frequency attached by ClinVar (database versions not stated): gnomAD 0.00001; TOPMed 0.00001; ESP Exome Variant Server 0.00008; ExAC 0.00001.
gnomAD v4.1: 4 of 1,613,976 alleles (0.00025%); highest among the groups gnomAD compares: African/African-American, 0.0027%; no homozygotes.

Submissions (2):

GeneDx
Classification: Uncertain significance. Last evaluated: 2025-02-13. Review status: criteria provided, single submitter. Criteria: GeneDx Variant Classification Process June 2021. Collection method: clinical testing. Allele origin: germline.
Comment: Not observed at significant frequency in large population cohorts (gnomAD); In silico analysis supports that this missense variant has a deleterious effect on protein structure/function; Has not been previously published as pathogenic or benign to our knowledge

Labcorp Genetics (formerly Invitae), Labcorp
Classification: Uncertain significance. Last evaluated: 2022-04-19. Review status: criteria provided, single submitter. Criteria: Invitae Variant Classification Sherloc (09022015). Collection method: clinical testing. Allele origin: germline.
Comment: In summary, the available evidence is currently insufficient to determine the role of this variant in disease. Therefore, it has been classified as a Variant of Uncertain Significance. Advanced modeling of protein sequence and biophysical properties (such as structural, functional, and spatial information, amino acid conservation, physicochemical variation, residue mobility, and thermodynamic stability) performed at Invitae indicates that this missense variant is expected to disrupt CHRNA2 protein function. This missense change has been observed in at least one individual who was not affected with CHRNA2-related conditions (Invitae). This variant has not been reported in the literature in individuals affected with CHRNA2-related conditions. This variant is present in population databases (rs373358886, gnomAD 0.008%). This sequence change replaces aspartic acid, which is acidic and polar, with asparagine, which is neutral and polar, at codon 193 of the CHRNA2 protein (p.Asp193Asn).

NM_000742.4(CHRNA2):c.577G>A (p.Asp193Asn)

Gene: CHRNA2 (cholinergic receptor nicotinic alpha 2 subunit; minus strand). Cytogenetic location: 8p21.2.
Variant type: single nucleotide variant.
Coding change: c.577G>A on transcript NM_000742.4 (MANE Select); coding-DNA position 577, G replaced by A.
Protein change: p.Asp193Asn; replaces aspartic acid 193 with asparagine.
Molecular consequence: missense variant. On other transcripts: intron variant (2).
Genome position (GRCh38, 1-based): chr8:27,463,866, C>T on the plus strand (G>A on the coding strand, the complement: CHRNA2 is on the minus strand). VCF-style: chr8-27463866-C-T. GRCh37 (hg19) VCF-style: chr8-27321383-C-T.
Other names: c.577G>A (NM_000742.3); c.532G>A, p.Asp178Asn (NM_001282455.2); c.100G>A, p.Asp34Asn (NM_001347705.2, NM_001347706.2); c.-12-6G>A (NM_001347708.2); c.-9-9G>A (NM_001347707.2); short protein forms D178N, D193N, D34N.
Identifiers: ClinVar variation 1477872 (VCV001477872.10), dbSNP rs373358886, ClinGen allele CA4689626.